The following is an entry in ClinVar:

NM_006118.4(HAX1):c.481G>T (p.Gly161Cys)

Gene: HAX1 (HCLS1 associated protein X-1; plus strand). Cytogenetic location: 1q21.3.
Variant type: single nucleotide variant.
Coding change: c.481G>T on transcript NM_006118.4 (MANE Select); coding-DNA position 481, G replaced by T.
Protein change: p.Gly161Cys; replaces glycine 161 with cysteine.
Molecular consequence: missense variant.
Genome position (GRCh38, 1-based): chr1:154,273,938, G>T. VCF-style: chr1-154273938-G-T. GRCh37 (hg19) VCF-style: chr1-154246414-G-T.
Other names: c.337G>T, p.Gly113Cys (NM_001018837.2); short protein forms G113C, G161C.
Identifiers: ClinVar variation 4858271 (VCV004858271.1).

ClinVar aggregate classification (germline): Uncertain significance (1 of 4 stars; one submission).

Conditions:
Inborn genetic diseases. Identifiers: MedGen C0950123, MeSH D030342.

Submission:

Ambry Genetics
Classification: Uncertain significance for Inborn genetic diseases. Last evaluated: 2026-04-18. Review status: criteria provided, single submitter. Criteria: Ambry Variant Classification Scheme 2023. Collection method: clinical testing. Allele origin: germline.
Comment: The p.G161C variant (also known as c.481G>T), located in coding exon 3 of the HAX1 gene, results from a G to T substitution at nucleotide position 481. The glycine at codon 161 is replaced by cysteine, an amino acid with highly dissimilar properties. This amino acid position is conserved. In addition, the in silico prediction for this alteration is inconclusive. Based on the available evidence, the clinical significance of this variant remains unclear.